The following is an entry in ClinVar:

NM_006206.6(PDGFRA):c.2552C>G (p.Ser851Trp)

Gene: PDGFRA (platelet derived growth factor receptor alpha; plus strand). Cytogenetic location: 4q12.
Variant type: single nucleotide variant.
Coding change: c.2552C>G on transcript NM_006206.6 (MANE Select); coding-DNA position 2552, C replaced by G.
Protein change: p.Ser851Trp; replaces serine 851 with tryptophan.
Molecular consequence: missense variant.
Genome position (GRCh38, 1-based): chr4:54,285,953, C>G. VCF-style: chr4-54285953-C-G. GRCh37 (hg19) VCF-style: chr4-55152120-C-G.
Other names: c.2627C>G, p.Ser876Trp (NM_001347828.2); c.2552C>G, p.Ser851Trp (NM_001347829.2); c.2591C>G, p.Ser864Trp (NM_001347830.2); short protein forms S851W, S864W, S876W.
Identifiers: ClinVar variation 5026440 (VCV005026440.1).
Genomic context (GRCh38, chr4:54,285,953, plus strand): 5'-TTGTGAAGATCTGTGACTTTGGCCTGGCCAGAGACATCATGCATGATTCGAACTATGTGT[C>G]GAAAGGCAGTGTACGTCCTCACTTCCCTCACTGGTCAGGCTCATCCTCCTTCACTTTAAT-3'
Protein context (NP_006197.1, residues 841-861): RDIMHDSNYV[Ser851Trp]KGSTFLPVKW

ClinVar aggregate classification (germline): Uncertain significance (1 of 4 stars; one submission).

Conditions:
Hereditary cancer-predisposing syndrome. Also called: Neoplastic Syndromes, Hereditary; Tumor predisposition; Hereditary neoplastic syndrome; Hereditary Cancer Syndrome. Identifiers: Orphanet 140162, MedGen C0027672, MeSH D009386, MONDO:0015356.

gnomAD v4.1: 1 of 1,614,076 alleles (0.000062%); highest among the groups gnomAD compares: Non-Finnish European, 0.000085%; no homozygotes.

Submission:

Ambry Genetics
Classification: Uncertain significance for Hereditary cancer-predisposing syndrome. Last evaluated: 2026-07-13. Review status: criteria provided, single submitter. Criteria: Ambry Variant Classification Scheme 2023. Collection method: clinical testing. Allele origin: germline.
Comment: The p.S851W variant (also known as c.2552C>G), located in coding exon 17 of the PDGFRA gene, results from a C to G substitution at nucleotide position 2552. The serine at codon 851 is replaced by tryptophan, an amino acid with highly dissimilar properties. This amino acid position is highly conserved in available vertebrate species. In addition, this alteration is predicted to be deleterious by in silico analysis. Based on the available evidence, the clinical significance of this variant remains unclear.